The following is an entry in ClinVar:

ClinVar aggregate classification (germline): Likely pathogenic (1 of 4 stars; one submission).

Conditions:
Metaphyseal chondrodysplasia, McKusick type (CHH). Also called: Cartilage-Hair Hypoplasia (CHH); Cartilage-hair hypoplasia. Identifiers: Orphanet 175, MedGen C0220748, MONDO:0009595, OMIM 250250.

Submission:

Women's Health and Genetics/Laboratory Corporation of America, LabCorp
Classification: Likely pathogenic for Metaphyseal chondrodysplasia, McKusick type. Last evaluated: 2022-04-13. Review status: criteria provided, single submitter. Criteria: LabCorp Variant Classification Summary - May 2015. Collection method: clinical testing. Allele origin: germline.
Comment: Variant summary: RMRP n.-14_-8dupGAAGCTG involves the duplication of 7 nucleotides in the promoter region of RMRP, which is located between the TATA box (-33 to -25) and the transcription initiation site. Other insertions or duplications in the promoter region of RMRP have been classified as pathogenic (internally and in ClinVar). The variant was absent in 152156 control chromosomes (gnomAD v.3.1.2, genomes dataset). The available data on variant occurrences in the general population are insufficient to allow any conclusion about variant significance. To our knowledge, no occurrence of n.-14_-8dupGAAGCTG in individuals affected with Cartilage-Hair Hypoplasia and no experimental evidence demonstrating its impact on RNA function have been reported. However, functional studies demonstrated that lengthening of the interval between the TATA box and the transcription initiation site would result in reduced RMRP transcription (e.g. PMIDs: 11207361, 16254002, 17937437). In addition, many other insertions or duplications in the promoter region of RMRP have been reported in affected individuals in the literature (e.g. PMIDs: 21956908, 21396580), including a homozygous duplication of 7 nucleotides with a somewhat milder phenotype (PMID: 21063072). No clinical diagnostic laboratories have submitted clinical-significance assessments for this variant to ClinVar after 2014. Based on the evidence outlined above, the variant was classified as likely pathogenic.

NC_000009.12:g.35658026_35658032dup

Gene: RMRP (RNA component of mitochondrial RNA processing endoribonuclease; minus strand). Cytogenetic location: 9p13.3.
Variant type: Duplication.
Genome position: GRCh38 VCF-style: chr9-35658025-T-TCAGCTTC. GRCh37 (hg19) VCF-style: chr9-35658022-T-TCAGCTTC.
Identifiers: ClinVar variation 1683418 (VCV001683418.2), dbSNP rs2131809964, ClinGen allele CA2573144656.